The following is an entry in ClinVar:

ClinVar aggregate classification (germline): Likely benign (1 of 4 stars; one submission).

Submission:

CeGaT Center for Human Genetics Tuebingen
Classification: Likely benign. Last evaluated: 2024-02-01. Review status: criteria provided, single submitter. Criteria: CeGaT Center For Human Genetics Tuebingen Variant Classification Criteria Version 2. Collection method: clinical testing. Allele origin: germline. Affected: yes. Observed: 1 variant allele.
Comment: TET3: PM2:Supporting, BP4, BP7

NM_001287491.2(TET3):c.3624A>G (p.Gly1208=)

Gene: TET3 (tet methylcytosine dioxygenase 3; plus strand). Cytogenetic location: 2p13.1.
Variant type: single nucleotide variant.
Coding change: c.3624A>G on transcript NM_001287491.2 (MANE Select); coding-DNA position 3624, A replaced by G.
Protein change: p.Gly1208=; no amino-acid change (glycine 1208 retained).
Molecular consequence: synonymous variant.
Genome position (GRCh38, 1-based): chr2:74,100,412, A>G. VCF-style: chr2-74100412-A-G. GRCh37 (hg19) VCF-style: chr2-74327539-A-G.
Other names: c.3219A>G, p.Gly1073= (NM_144993.1); c.3345A>G, p.Gly1115= (NM_001366022.1).
Identifiers: ClinVar variation 3027293 (VCV003027293.22), dbSNP rs2528184110, ClinGen allele CA426807351.
Genomic context (GRCh38, chr2:74,100,412, plus strand): 5'-TGTTGTCTGCCCCTCTGCCATCTTGCCTTCTGTTTCCCCAGGCCTGTCTCTGAAGGGTGG[A>G]TTGTCCCAGCAAGGCCTGAAGCCCTCCCTCAAGGTGGAGCCGCAGAACCACTTCAGCTCC-3'
Protein context (NP_001274420.1, residues 1198-1218): TSDPGLSLKG[Gly1208=]LSQQGLKPSL